The following is an entry in ClinVar:

NM_198321.4(GALNT10):c.1201T>G (p.Tyr401Asp)

Genes: SAP30L-AS1 (SAP30L antisense RNA 1 (head to head); minus strand), GALNT10 (polypeptide N-acetylgalactosaminyltransferase 10; plus strand). Cytogenetic location: 5q33.2.
Variant type: single nucleotide variant.
Coding change: c.1201T>G on transcript NM_198321.4 (MANE Select); coding-DNA position 1201, T replaced by G.
Protein change: p.Tyr401Asp; replaces tyrosine 401 with aspartic acid.
Molecular consequence: missense variant.
Genome position (GRCh38, 1-based): chr5:154,409,577, T>G. VCF-style: chr5-154409577-T-G. GRCh37 (hg19) VCF-style: chr5-153789137-T-G.
Other names: short protein forms Y401D.
Identifiers: ClinVar variation 3344106 (VCV003344106.1).

ClinVar aggregate classification (germline): Uncertain significance (0 of 4 stars; one submission).

Conditions:
GALNT10-related disorder. Also called: GALNT10-related condition.

Submission:

PreventionGenetics, part of Exact Sciences
Classification: Uncertain significance for GALNT10-related condition. Last evaluated: 2024-07-24. Review status: no assertion criteria provided. Collection method: clinical testing. Allele origin: germline.
Comment: The GALNT10 c.1201T>G variant is predicted to result in the amino acid substitution p.Tyr401Asp. To our knowledge, this variant has not been reported in the literature or in a large population database, indicating this variant is rare. At this time, the clinical significance of this variant is uncertain due to the absence of conclusive functional and genetic evidence.